The following is an entry in ClinVar:

NM_001849.4(COL6A2):c.*106G>A

Gene: COL6A2 (collagen type VI alpha 2 chain; plus strand). Cytogenetic location: 21q22.3.
Variant type: single nucleotide variant.
Coding change: c.*106G>A on transcript NM_001849.4 (MANE Select); 106 bases downstream of the stop codon, G replaced by A.
Molecular consequence: 3 prime UTR variant.
Genome position (GRCh38, 1-based): chr21:46,132,658, G>A. VCF-style: chr21-46132658-G-A. GRCh37 (hg19) VCF-style: chr21-47552572-G-A.
Identifiers: ClinVar variation 340397 (VCV000340397.6), dbSNP rs185393384, ClinGen allele CA10653098.

ClinVar aggregate classification (germline): Benign (1 of 4 stars; one submission).

Conditions:
Collagen 6-related myopathy. Identifiers: MedGen CN117976, MONDO:0100225.

Allele frequency attached by ClinVar (database versions not stated): gnomAD 0.00036 and 0.00052; TOPMed 0.00039; gnomAD exomes 0.00049; 1000 Genomes Project 30x 0.00219; 1000 Genomes Project 0.00319.
gnomAD v4.1: 572 of 1,167,940 alleles (0.049%); highest among the groups gnomAD compares: South Asian, 0.46%; 3 homozygotes.

Submission:

Illumina Laboratory Services, Illumina
Classification: Benign for Collagen VI-related myopathy. Last evaluated: 2018-01-13. Review status: criteria provided, single submitter. Criteria: ICSL Variant Classification Criteria 13 December 2019. Collection method: clinical testing. Allele origin: germline.
Comment: This variant was observed in the ICSL laboratory as part of a predisposition screen in an ostensibly healthy population. It had not been previously curated by ICSL or reported in the Human Gene Mutation Database (HGMD: prior to June 1st, 2018), and was therefore a candidate for classification through an automated scoring system. Utilizing variant allele frequency, disease prevalence and penetrance estimates, and inheritance mode, an automated score was calculated to assess if this variant is too frequent to cause the disease. Based on the score and internal cut-off values, a variant classified as benign is not then subjected to further curation. The score for this variant resulted in a classification of benign for this disease.